The following is an entry in ClinVar:

NM_001099922.3(ALG13):c.3373C>G (p.Pro1125Ala)

Gene: ALG13 (ALG13 UDP-N-acetylglucosaminyltransferase subunit; plus strand). Cytogenetic location: Xq23.
Variant type: single nucleotide variant.
Coding change: c.3373C>G on transcript NM_001099922.3 (MANE Select); coding-DNA position 3373, C replaced by G.
Protein change: p.Pro1125Ala; replaces proline 1125 with alanine.
Molecular consequence: missense variant. On other transcripts: non-coding transcript variant (1).
Genome position (GRCh38, 1-based): chrX:111,759,958, C>G. VCF-style: chrX-111759958-C-G. GRCh37 (hg19) VCF-style: chrX-111003186-C-G.
Other names: c.2824C>G, p.Pro942Ala (NM_001257230.2, NM_001257234.2, NM_001257237.2); c.3139C>G, p.Pro1047Ala (NM_001257231.2); c.3136C>G, p.Pro1046Ala (NM_001324292.2); c.2650C>G, p.Pro884Ala (NM_001324293.1); short protein forms P1046A, P1047A, P1125A, P884A, P942A.
Identifiers: ClinVar variation 3901023 (VCV003901023.1).

ClinVar aggregate classification (germline): Uncertain significance (1 of 4 stars; one submission).

Conditions:
Developmental and epileptic encephalopathy, 36 (DEE36). Also called: Epileptic encephalopathy, early infantile, 36; Congenital disorder of glycosylation, type Is; ALG13-CDG. Identifiers: Orphanet 324422, MedGen C4317295, MONDO:0010472, OMIM 300884.

Submission:

Laboratorio de Genetica e Diagnostico Molecular, Hospital Israelita Albert Einstein
Classification: Uncertain significance for Developmental and epileptic encephalopathy, 36. Last evaluated: 2025-05-08. Review status: criteria provided, single submitter. Criteria: ACMG Guidelines, 2015. Collection method: clinical testing. Allele origin: germline. Affected: yes.
Comment: ACMG classification criteria: PM2 supporting, BP4 supporting